The following is an entry in ClinVar:

ClinVar aggregate classification (germline): Benign (1 of 4 stars; one submission).

Allele frequency attached by ClinVar (database versions not stated): 1000 Genomes Project 30x 0.00031; 1000 Genomes Project 0.00040; gnomAD 0.00048; TOPMed 0.00054; gnomAD exomes 0.00101.
gnomAD v4.1: 328 of 398,480 alleles (0.082%); highest among the groups gnomAD compares: Middle Eastern, 0.38%; no homozygotes.

Submission:

CeGaT Center for Human Genetics Tuebingen
Classification: Benign. Last evaluated: 2026-09-01. Review status: criteria provided, single submitter. Criteria: CeGaT Center For Human Genetics Tuebingen Variant Classification Criteria Version 2. Collection method: clinical testing. Allele origin: germline. Affected: yes. Observed: 15 variant alleles.
Comment: KCNQ1OT1: BS1, BS2

NM_000218.3(KCNQ1):c.1394-12702T>A

Genes: KCNQ1 (potassium voltage-gated channel subfamily Q member 1; plus strand), KCNQ1OT1 (KCNQ1 opposite strand/antisense transcript 1; minus strand). Cytogenetic location: 11p15.5.
Variant type: single nucleotide variant.
Coding change: c.1394-12702T>A on transcript NM_000218.3 (MANE Select); 12702 bases into the intron before coding-DNA position 1394, T replaced by A.
Molecular consequence: intron variant.
Genome position (GRCh38, 1-based): chr11:2,649,259, T>A. VCF-style: chr11-2649259-T-A. GRCh37 (hg19) VCF-style: chr11-2670489-T-A.
Other names: c.1124-12702T>A (NM_001406837.1); c.1298-12702T>A (NM_001406836.1); c.854-12702T>A (NM_001406838.1); c.1013-12702T>A (NM_181798.2).
Identifiers: ClinVar variation 2578635 (VCV002578635.25), dbSNP rs181299502, ClinGen allele CA216161455.